The following is an entry in ClinVar:

NM_000412.5(HRG):c.48G>A (p.Ser16=)

Gene: HRG (histidine rich glycoprotein; plus strand). Cytogenetic location: 3q27.3.
Variant type: single nucleotide variant.
Coding change: c.48G>A on transcript NM_000412.5 (MANE Select); coding-DNA position 48, G replaced by A.
Protein change: p.Ser16=; no amino-acid change (serine 16 retained).
Molecular consequence: synonymous variant.
Genome position (GRCh38, 1-based): chr3:186,666,079, G>A. VCF-style: chr3-186666079-G-A. GRCh37 (hg19) VCF-style: chr3-186383868-G-A.
Identifiers: ClinVar variation 3257018 (VCV003257018.17).

ClinVar aggregate classification (germline): Likely benign (1 of 4 stars; one submission).

gnomAD v4.1: 87 of 1,614,186 alleles (0.0054%); highest among the groups gnomAD compares: East Asian, 0.15%; no homozygotes.

Submission:

CeGaT Center for Human Genetics Tuebingen
Classification: Likely benign. Last evaluated: 2024-07-01. Review status: criteria provided, single submitter. Criteria: CeGaT Center For Human Genetics Tuebingen Variant Classification Criteria Version 2. Collection method: clinical testing. Allele origin: germline. Affected: yes. Observed: 1 variant allele.
Comment: HRG: BP4, BP7